The following is an entry in ClinVar:

NM_000038.6(APC):c.6634dup (p.Gln2212fs)

Gene: APC (APC regulator of Wnt signaling pathway; plus strand). Cytogenetic location: 5q22.2.
Variant type: Duplication.
Coding change: c.6634dup on transcript NM_000038.6 (MANE Select); coding-DNA position 6634, one base duplicated (C; older notation c.6634dupC).
Protein change: p.Gln2212fs; shifts the reading frame from glutamine 2212.
Molecular consequence: frameshift variant. On other transcripts: non-coding transcript variant (2).
Genome position (GRCh38, 1-based): chr5:112,842,228, C duplicated; the last of 2 consecutive C bases (chr5:112,842,227-112,842,228); duplicating either gives the same sequence. VCF-style (leftmost placement, unchanged base first): chr5-112842226-G-GC. GRCh37 (hg19) VCF-style: chr5-112177923-G-GC.
Other names: c.6154dup, p.Gln2052fs (NM_001354905.2); c.5785dup, p.Gln1929fs (NM_001354906.2, NM_001407470.1); c.6718dup, p.Gln2240fs (NM_001407446.1); c.6688dup, p.Gln2230fs (NM_001407447.1, NM_001407448.1, NM_001407449.1 and 1 more transcripts); c.6634dup, p.Gln2212fs (NM_001407450.1, NM_001127510.3, NM_001354895.2); c.6613dup, p.Gln2205fs (NM_001407451.1); c.6604dup, p.Gln2202fs (NM_001407452.1); c.6457dup, p.Gln2153fs (NM_001407453.1, NM_001354901.2); and 11 more; short protein forms Q1828fs, Q1929fs, Q2052fs, Q2083fs, Q2086fs, Q2111fs, Q2121fs, Q2129fs.
Identifiers: ClinVar variation 2584112 (VCV002584112.3), dbSNP rs2533730101, ClinGen allele CA2582341614.

ClinVar aggregate classification (germline): Pathogenic/Likely pathogenic. Review status: criteria provided, multiple submitters, no conflicts (2 of 4 stars). 2 submissions from 2 submitters: Pathogenic (1); Likely pathogenic (1). Last evaluated 2024-01-10.

Conditions:
Gastric adenocarcinoma and proximal polyposis of the stomach (GAPPS). Also called: Polyposis, gastric, Dos Santos and de Magalhaes 1980; POLYPOSIS, GASTRIC; Gastric Adenocarcinoma and Proximal Polyposis of the Stomach (GAPPS). Identifiers: Orphanet 314022, MedGen C4749917, MONDO:0017790, OMIM 619182.
Colorectal cancer. Also called: Colorectal cancer, somatic; Malignant Colorectal Neoplasm. Identifiers: MedGen C0346629, MONDO:0005575, OMIM 114500.
Desmoid disease, hereditary (DESMD). Also called: FIBROMATOSIS, FAMILIAL INFILTRATIVE. Identifiers: Orphanet 873, MedGen C1851124, OMIM 135290. Disease mechanism: loss of function.
Familial adenomatous polyposis 1 (FAP1). Also called: FAMILIAL ADENOMATOUS POLYPOSIS 1, ATTENUATED; POLYPOSIS, ADENOMATOUS INTESTINAL. Identifiers: MedGen C2713442, MONDO:0021056, OMIM 175100. Disease mechanism: loss of function.
Gastric cancer. Also called: Malignant tumor of stomach; Stomach cancer. Identifiers: MedGen C0024623, MeSH D013274, MONDO:0001056, OMIM 613659, HP:0012126.
Hepatocellular carcinoma (HCC). Also called: HEPATOMA; LIVER CELL CARCINOMA; Primary carcinoma of liver. Identifiers: Orphanet 88673, MedGen C2239176, MONDO:0007256, OMIM 114550, HP:0001402.

Submissions (2):

Fulgent Genetics
Classification: Likely pathogenic for Colorectal cancer; Hepatocellular carcinoma; Desmoid disease, hereditary; Familial adenomatous polyposis 1; Gastric cancer; Gastric adenocarcinoma and proximal polyposis of the stomach. Last evaluated: 2024-01-10. Review status: criteria provided, single submitter. Criteria: ACMG Guidelines, 2015. Collection method: clinical testing. Allele origin: germline.

Myriad Genetics, Inc.
Classification: Pathogenic for Familial adenomatous polyposis 1. Last evaluated: 2023-05-16. Review status: criteria provided, single submitter. Criteria: Myriad Autosomal Dominant, Autosomal Recessive and X-Linked Classification Criteria (2023). Collection method: clinical testing. Allele origin: unknown.
Comment: This variant is considered pathogenic. This variant creates a frameshift predicted to result in premature protein truncation.